The following is an entry in ClinVar:

NM_005477.3(HCN4):c.3166_3168delinsACTGCATCCAGCCCCCCACCACCC (p.Pro1055_Pro1056insThrAlaSerSerProProPro)

Gene: HCN4 (hyperpolarization activated cyclic nucleotide gated potassium channel 4; minus strand). Cytogenetic location: 15q24.1.
Variant type: Indel.
Coding change: c.3166_3168delinsACTGCATCCAGCCCCCCACCACCC on transcript NM_005477.3 (MANE Select); coding-DNA positions 3166 to 3168, CCT replaced by ACTGCATCCAGCCCCCCACCACCC.
Protein change: p.Pro1055_Pro1056insThrAlaSerSerProProPro.
Molecular consequence: inframe insertion.
Genome position (GRCh38, 1-based): chr15:73,322,925-73,322,927, AGG replaced by GGGTGGTGGGGGGCTGGATGCAGT on the plus strand (CCT replaced by ACTGCATCCAGCCCCCCACCACCC on the coding strand, the reverse complement: HCN4 is on the minus strand). VCF-style: chr15-73322925-AGG-GGGTGGTGGGGGGCTGGATGCAGT. GRCh37 (hg19) VCF-style: chr15-73615266-AGG-GGGTGGTGGGGGGCTGGATGCAGT.
Identifiers: ClinVar variation 1728364 (VCV001728364.2), dbSNP rs2549068168, ClinGen allele CA2580089971.

ClinVar aggregate classification (germline): Uncertain significance (1 of 4 stars; one submission).

Conditions:
Cardiovascular phenotype. Identifiers: MedGen CN230736.

Submission:

Ambry Genetics
Classification: Uncertain significance for Cardiovascular phenotype. Last evaluated: 2020-08-24. Review status: criteria provided, single submitter. Criteria: Ambry Variant Classification Scheme 2023. Collection method: clinical testing. Allele origin: germline.
Comment: The c.3166_3168delCCTins24 variant (also known as p.P1055_P1056insTASSPPP), located in coding exon 8 of the HCN4 gene, results from an in-frame deletion of CCT and insertion of ACTGCATCCAGCCCCCCACCACCC at nucleotide positions 3166 to 3168. This results in the insertion of threonine, alanine, serine, serine, proline, proline, and proline residues at codon 1055. This amino acid region is not well conserved in available vertebrate species. In addition, this alteration is predicted to be neutral by in silico analysis (Choi Y et al. PLoS ONE. 2012; 7(10):e46688). Since supporting evidence is limited at this time, the clinical significance of this alteration remains unclear.